The following is an entry in ClinVar:

ClinVar aggregate classification (germline): Uncertain significance (1 of 4 stars; one submission).

gnomAD v4.1: 4 of 1,548,516 alleles (0.00026%); highest among the groups gnomAD compares: African/African-American, 0.0041%; no homozygotes.

Submission:

Women's Health and Genetics/Laboratory Corporation of America, LabCorp
Classification: Uncertain significance. Last evaluated: 2024-01-05. Review status: criteria provided, single submitter. Criteria: LabCorp Variant Classification Summary - May 2015. Collection method: clinical testing. Allele origin: germline.
Comment: Variant summary: OBSL1 c.3947A>G (p.Gln1316Arg) results in a conservative amino acid change located in the Immunoglobulin subtype 2 domain (IPR003598) of the encoded protein sequence. Four of five in-silico tools predict a benign effect of the variant on protein function. The variant allele was found at a frequency of 1.4e-05 in 147030 control chromosomes. The available data on variant occurrences in the general population are insufficient to allow any conclusion about variant significance. To our knowledge, no occurrence of c.3947A>G in individuals affected with Three M Syndrome 2 and no experimental evidence demonstrating its impact on protein function have been reported. No submitters have cited clinical-significance assessments for this variant to ClinVar. Based on the evidence outlined above, the variant was classified as uncertain significance.

NM_015311.3(OBSL1):c.3947A>G (p.Gln1316Arg)

Gene: OBSL1 (obscurin like cytoskeletal adaptor 1; minus strand). Cytogenetic location: 2q35.
Variant type: single nucleotide variant.
Coding change: c.3947A>G on transcript NM_015311.3 (MANE Select); coding-DNA position 3947, A replaced by G.
Protein change: p.Gln1316Arg; replaces glutamine 1316 with arginine.
Molecular consequence: missense variant.
Genome position (GRCh38, 1-based): chr2:219,557,462, T>C on the plus strand (A>G on the coding strand, the complement: OBSL1 is on the minus strand). VCF-style: chr2-219557462-T-C. GRCh37 (hg19) VCF-style: chr2-220422184-T-C.
Other names: c.3947A>G, p.Gln1316Arg (NM_001173431.2); short protein forms Q1316R.
Identifiers: ClinVar variation 3063787 (VCV003063787.1), dbSNP rs1055049485, ClinGen allele CA66028172.
Genomic context (GRCh38, chr2:219,557,462, plus strand): 5'-GCGTCCCCGCTCCGTGCCCCCTGCACCCGCAGCACCTGCCTGGCCCCGGCCTGCTCCAGC[T>C]GCACCCGCCCCTGGCTTGCCAGTCGCTCCCCGTCCTTGTACCAGCGTACAGGGCCCCCTG-3'
Protein context (NP_056126.1, residues 1306-1326): GERLASQGRV[Gln1316Arg]LEQAGARQVL